The following is an entry in ClinVar:

ClinVar aggregate classification (germline): Benign. Review status: criteria provided, multiple submitters, no conflicts (2 of 4 stars). 5 submissions from 5 submitters: Benign (5). Last evaluated 2026-02-04.

Conditions:
Ellis-van Creveld syndrome (EVC). Also called: EVC-Related Ellis-van Creveld Syndrome; EVC2-Related Ellis-van Creveld Syndrome; MESOECTODERMAL DYSPLASIA; Chondroectodermal dysplasia. Identifiers: Orphanet 289, MedGen C0013903, MONDO:0009162, OMIM 225500.
Curry-Hall syndrome (WAD). Also called: WEYERS ACRODENTAL DYSOSTOSIS. Identifiers: Orphanet 952, MedGen C0457013, MONDO:0008673, OMIM 193530.

Allele frequency attached by ClinVar (database versions not stated): gnomAD 0.00610 and 0.00650; 1000 Genomes Project 0.00659; ESP Exome Variant Server 0.00669; TOPMed 0.00701; 1000 Genomes Project 30x 0.00703.

Submissions (5):

Labcorp Genetics (formerly Invitae), Labcorp
Classification: Benign for Curry-Hall syndrome; Ellis-van Creveld syndrome. Last evaluated: 2026-02-04. Review status: criteria provided, single submitter. Criteria: Invitae Variant Classification Sherloc (09022015). Collection method: clinical testing. Allele origin: germline.

ARUP Laboratories, Molecular Genetics and Genomics, ARUP Laboratories
Classification: Benign. Last evaluated: 2022-03-21. Review status: criteria provided, single submitter. Criteria: ARUP Molecular Germline Variant Investigation Process 2021. Collection method: clinical testing. Allele origin: germline.

Illumina Laboratory Services, Illumina
Classification: Benign for Ellis-van Creveld syndrome. Last evaluated: 2018-01-12. Review status: criteria provided, single submitter. Criteria: ICSL Variant Classification Criteria 13 December 2019. Collection method: clinical testing. Allele origin: germline.
Comment: This variant was observed in the ICSL laboratory as part of a predisposition screen in an ostensibly healthy population. It had not been previously curated by ICSL or reported in the Human Gene Mutation Database (HGMD: prior to June 1st, 2018), and was therefore a candidate for classification through an automated scoring system. Utilizing variant allele frequency, disease prevalence and penetrance estimates, and inheritance mode, an automated score was calculated to assess if this variant is too frequent to cause the disease. Based on the score and internal cut-off values, a variant classified as benign is not then subjected to further curation. The score for this variant resulted in a classification of benign for this disease.

GeneDx
Classification: Benign. Last evaluated: 2017-01-12. Review status: criteria provided, single submitter. Criteria: GeneDx Variant Classification (06012015). Collection method: clinical testing. Allele origin: germline. Affected: yes.
Comment: This variant is considered likely benign or benign based on one or more of the following criteria: it is a conservative change, it occurs at a poorly conserved position in the protein, it is predicted to be benign by multiple in silico algorithms, and/or has population frequency not consistent with disease.

Breakthrough Genomics
Classification: Benign. Review status: criteria provided, single submitter. Criteria: ACMG Guidelines, 2015. Collection method: not provided. Allele origin: germline. Inheritance: Autosomal recessive inheritance. Affected: yes.

NM_147127.5(EVC2):c.2707-5T>C

Gene: EVC2 (EvC ciliary complex subunit 2; minus strand). Cytogenetic location: 4p16.2.
Variant type: single nucleotide variant.
Coding change: c.2707-5T>C on transcript NM_147127.5 (MANE Select); 5 bases into the intron before coding-DNA position 2707, T replaced by C.
Molecular consequence: intron variant.
Genome position (GRCh38, 1-based): chr4:5,615,549, A>G on the plus strand (T>C on the coding strand, the complement: EVC2 is on the minus strand). VCF-style: chr4-5615549-A-G. GRCh37 (hg19) VCF-style: chr4-5617276-A-G.
Other names: c.2467-5T>C (NM_001166136.2).
Identifiers: ClinVar variation 348998 (VCV000348998.26), dbSNP rs186058156, ClinGen allele CA2834601.
Genomic context (GRCh38, chr4:5,615,549, plus strand): 5'-AGAAGCTCTCCCTTGCTTTTACTCTTGGACCGTGACTTTCTCACCTTGGACTGTTGCTGG[A>G]GAGGGGTTGGGGAAGACGTGGGTAAGAAGGCAATCACCAGCAAGTCCATGCAGCTCCCCC-3'